The following is an entry in ClinVar:

ClinVar aggregate classification (germline): Uncertain significance (1 of 4 stars; one submission).

Conditions:
Amyotrophic lateral sclerosis type 1 (ALS1). Also called: AMYOTROPHIC LATERAL SCLEROSIS 1, FAMILIAL. Identifiers: Orphanet 803, MedGen C1862939, MONDO:0007103, OMIM 105400.
Perry syndrome. Also called: PARKINSONISM WITH ALVEOLAR HYPOVENTILATION AND MENTAL DEPRESSION. Identifiers: Orphanet 178509, MedGen C1868594, MONDO:0008201, OMIM 168605.
Neuronopathy, distal hereditary motor, type 7B. Also called: HMN VIIB; LOWER MOTOR NEURON DISEASE, DYNACTIN TYPE; Distal Hereditary Motor Neuronopathy Type 7B (dHMN7B); NEURONOPATHY, DISTAL HEREDITARY MOTOR, AUTOSOMAL DOMINANT 14; NEURONOPATHY, DISTAL HEREDITARY MOTOR, HARDING TYPE VIIB; NEUROPATHY, DISTAL HEREDITARY MOTOR, HARDING TYPE VIIB. Identifiers: Orphanet 139589, MedGen C1843315, MONDO:0011879, OMIM 607641.

Allele frequency attached by ClinVar (database versions not stated): gnomAD exomes below 0.00001.
gnomAD v4.1: 1 of 1,614,120 alleles (0.000062%); highest among the groups gnomAD compares: Non-Finnish European, 0.000085%; no homozygotes.

Submission:

Labcorp Genetics (formerly Invitae), Labcorp
Classification: Uncertain significance for Amyotrophic lateral sclerosis type 1; Neuronopathy, distal hereditary motor, type 7B; Perry syndrome. Last evaluated: 2019-07-11. Review status: criteria provided, single submitter. Criteria: Invitae Variant Classification Sherloc (09022015). Collection method: clinical testing. Allele origin: germline.
Comment: This sequence change falls in intron 10 of the DCTN1 gene. It does not directly change the encoded amino acid sequence of the DCTN1 protein, but it affects a nucleotide within the consensus splice site of the intron. This variant is not present in population databases (ExAC no frequency). This variant has not been reported in the literature in individuals with DCTN1-related conditions. Nucleotide substitutions within the consensus splice site are a relatively common cause of aberrant splicing (PMID: 17576681, 9536098). Algorithms developed to predict the effect of sequence changes on RNA splicing suggest that this variant may disrupt the consensus splice site, but this prediction has not been confirmed by published transcriptional studies. In summary, the available evidence is currently insufficient to determine the role of this variant in disease. Therefore, it has been classified as a Variant of Uncertain Significance.

Literature cited by the submitters: PubMed 17576681; PubMed 9536098.

NM_004082.5(DCTN1):c.1048+4A>G

Gene: DCTN1 (dynactin subunit 1; minus strand). Cytogenetic location: 2p13.1.
Variant type: single nucleotide variant.
Coding change: c.1048+4A>G on transcript NM_004082.5 (MANE Select); 4 bases into the intron after coding-DNA position 1048, A replaced by G.
Molecular consequence: intron variant.
Genome position (GRCh38, 1-based): chr2:74,370,617, T>C on the plus strand (A>G on the coding strand, the complement: DCTN1 is on the minus strand). VCF-style: chr2-74370617-T-C. GRCh37 (hg19) VCF-style: chr2-74597744-T-C.
Other names: c.937+4A>G (NM_001190836.2); c.979+4A>G (NM_001378992.1); c.997+4A>G (NM_001378991.1); c.988+4A>G (NM_001135040.3); c.1027+4A>G (NM_001190837.2); c.646+4A>G (NM_001135041.3, NM_023019.4).
Identifiers: ClinVar variation 933372 (VCV000933372.8), dbSNP rs1309897356, ClinGen allele CA534126873.